The following is an entry in ClinVar:

ClinVar aggregate classification (germline): Uncertain significance. Review status: criteria provided, multiple submitters, no conflicts (2 of 4 stars). 2 submissions from 2 submitters: Uncertain significance (2). Last evaluated 2025-08-29.

Conditions:
Inborn genetic diseases. Identifiers: MedGen C0950123, MeSH D030342.
Neuropathy, hereditary sensory and autonomic, type 1C. Also called: HSAN IC; HSN IC. Identifiers: Orphanet 36386, MedGen C3150896, MONDO:0013337, OMIM 613640.

Allele frequency attached by ClinVar (database versions not stated): gnomAD 0.00001; gnomAD exomes 0.00001; ExAC 0.00002.
gnomAD v4.1: 14 of 1,613,918 alleles (0.00087%); highest among the groups gnomAD compares: Admixed American, 0.0017%; no homozygotes.

Submissions (2):

Ambry Genetics
Classification: Uncertain significance for Inborn genetic diseases. Last evaluated: 2025-08-29. Review status: criteria provided, single submitter. Criteria: Ambry Variant Classification Scheme 2023. Collection method: clinical testing. Allele origin: germline.

Labcorp Genetics (formerly Invitae), Labcorp
Classification: Uncertain significance for Neuropathy, hereditary sensory and autonomic, type 1C. Last evaluated: 2023-04-28. Review status: criteria provided, single submitter. Criteria: Invitae Variant Classification Sherloc (09022015). Collection method: clinical testing. Allele origin: germline.
Comment: This variant has not been reported in the literature in individuals affected with SPTLC2-related conditions. In summary, the available evidence is currently insufficient to determine the role of this variant in disease. Therefore, it has been classified as a Variant of Uncertain Significance. Advanced modeling of protein sequence and biophysical properties (such as structural, functional, and spatial information, amino acid conservation, physicochemical variation, residue mobility, and thermodynamic stability) performed at Invitae indicates that this missense variant is expected to disrupt SPTLC2 protein function. This variant is present in population databases (rs748965663, gnomAD 0.003%). This sequence change replaces arginine, which is basic and polar, with tryptophan, which is neutral and slightly polar, at codon 357 of the SPTLC2 protein (p.Arg357Trp).

NM_004863.4(SPTLC2):c.1069C>T (p.Arg357Trp)

Gene: SPTLC2 (serine palmitoyltransferase long chain base subunit 2; minus strand). Cytogenetic location: 14q24.3.
Variant type: single nucleotide variant.
Coding change: c.1069C>T on transcript NM_004863.4 (MANE Select); coding-DNA position 1069, C replaced by T.
Protein change: p.Arg357Trp; replaces arginine 357 with tryptophan.
Molecular consequence: missense variant.
Genome position (GRCh38, 1-based): chr14:77,555,407, G>A on the plus strand (C>T on the coding strand, the complement: SPTLC2 is on the minus strand). VCF-style: chr14-77555407-G-A. GRCh37 (hg19) VCF-style: chr14-78021750-G-A.
Other names: short protein forms R357W.
Identifiers: ClinVar variation 2903489 (VCV002903489.4), dbSNP rs748965663, ClinGen allele CA7289284.